The following is an entry in ClinVar:

NM_006662.3(SRCAP):c.3671G>A (p.Arg1224His)

Gene: SRCAP (Snf2 related CREBBP activator protein; plus strand). Cytogenetic location: 16p11.2.
Variant type: single nucleotide variant.
Coding change: c.3671G>A on transcript NM_006662.3 (MANE Select); coding-DNA position 3671, G replaced by A.
Protein change: p.Arg1224His; replaces arginine 1224 with histidine.
Molecular consequence: missense variant.
Genome position (GRCh38, 1-based): chr16:30,722,251, G>A. VCF-style: chr16-30722251-G-A. GRCh37 (hg19) VCF-style: chr16-30733572-G-A.
Other names: c.3671G>A (NM_006662.2); short protein forms R1224H.
Identifiers: ClinVar variation 445699 (VCV000445699.9), dbSNP rs201658767, ClinGen allele CA8011534.

ClinVar aggregate classification (germline): Conflicting classifications of pathogenicity. Review status: criteria provided, conflicting classifications (1 of 4 stars). 4 submissions from 4 submitters: Uncertain significance (3); Likely benign (1). Last evaluated 2025-05-11.

Conditions:
SRCAP-related disorder. Also called: SRCAP-related condition.
Inborn genetic diseases. Identifiers: MedGen C0950123, MeSH D030342.

Allele frequency attached by ClinVar (database versions not stated): gnomAD 0.00001 and 0.00003; ExAC 0.00002; gnomAD exomes 0.00002; TOPMed 0.00002; 1000 Genomes Project 30x 0.00031; 1000 Genomes Project 0.00040.
gnomAD v4.1: 75 of 1,614,110 alleles (0.0046%); highest among the groups gnomAD compares: East Asian, 0.14%; no homozygotes.

Submissions (4):

PreventionGenetics, part of Exact Sciences
Classification: Likely benign for SRCAP-related condition. Last evaluated: 2025-05-11. Review status: criteria provided, single submitter. Criteria: ACMG Guidelines, 2015. Collection method: clinical testing. Allele origin: germline.
Comment: This variant is classified as likely benign based on ACMG/AMP sequence variant interpretation guidelines (Richards et al. 2015 PMID: 25741868, with internal and published modifications).

Labcorp Genetics (formerly Invitae), Labcorp
Classification: Uncertain significance. Last evaluated: 2024-02-27. Review status: criteria provided, single submitter. Criteria: Invitae Variant Classification Sherloc (09022015). Collection method: clinical testing. Allele origin: germline.
Comment: This sequence change replaces arginine, which is basic and polar, with histidine, which is basic and polar, at codon 1224 of the SRCAP protein (p.Arg1224His). This variant is present in population databases (rs201658767, gnomAD 0.02%). This variant has not been reported in the literature in individuals affected with SRCAP-related conditions. ClinVar contains an entry for this variant (Variation ID: 445699). Advanced modeling of protein sequence and biophysical properties (such as structural, functional, and spatial information, amino acid conservation, physicochemical variation, residue mobility, and thermodynamic stability) performed at Invitae indicates that this missense variant is not expected to disrupt SRCAP protein function with a negative predictive value of 80%. In summary, the available evidence is currently insufficient to determine the role of this variant in disease. Therefore, it has been classified as a Variant of Uncertain Significance.

Ambry Genetics
Classification: Uncertain significance for Inborn genetic diseases. Last evaluated: 2022-12-21. Review status: criteria provided, single submitter. Criteria: Ambry Variant Classification Scheme 2023. Collection method: clinical testing. Allele origin: germline.

Center for Pediatric Genomic Medicine, Children's Mercy Hospital and Clinics
Classification: Uncertain significance. Last evaluated: 2017-04-27. Review status: criteria provided, single submitter. Criteria: ACMG Guidelines, 2015. Collection method: clinical testing. Allele origin: germline.